The following is an entry in ClinVar:

NM_000396.4(CTSK):c.740_741del (p.Val247fs)

Gene: CTSK (cathepsin K; minus strand). Cytogenetic location: 1q21.3.
Variant type: Microsatellite.
Coding change: c.740_741del on transcript NM_000396.4 (MANE Select); coding-DNA positions 740 to 741, 2 bases deleted (TG; older notation c.740_741delTG).
Protein change: p.Val247fs; shifts the reading frame from valine 247.
Molecular consequence: frameshift variant.
Genome position (GRCh38, 1-based): chr1:150,799,587-150,799,588, CA deleted on the plus strand (TG on the coding strand, the reverse complement: CTSK is on the minus strand); deleting any 2 consecutive bases within chr1:150,799,587-150,799,590 gives the same sequence; the c. name uses the placement nearest the transcript's 3' end. VCF-style (leftmost placement, unchanged base first): chr1-150799586-CCA-C. GRCh37 (hg19) VCF-style: chr1-150772062-CCA-C.
Other names: short protein forms V247fs.
Identifiers: ClinVar variation 5016123 (VCV005016123.1).

ClinVar aggregate classification (germline): Pathogenic (1 of 4 stars; one submission).

Conditions:
Pyknodysostosis. Also called: Pycnodysostosis. Identifiers: Orphanet 763, MedGen C0238402, MONDO:0009940, OMIM 265800.

Submission:

Myriad Genetics, Inc.
Classification: Pathogenic for Pyknodysostosis. Last evaluated: 2026-07-12. Review status: criteria provided, single submitter. Criteria: Myriad Autosomal Dominant, Autosomal Recessive and X-Linked Classification Criteria (2023). Collection method: clinical testing. Allele origin: unknown.
Comment: NM_000396.3(CTSK):c.740_741delTG(V247Gfs*3) is expected to be pathogenic in the context of pycnodysostosis. This variant is predicted to lead to an abnormal or absent protein product due to the creation of a premature termination codon in CTSK, a gene where loss-of-function variants are known to be pathogenic. Please note: this variant was assessed in the context of healthy population screening.